The following is an entry in ClinVar:

NM_003036.4(SKI):c.1311C>G (p.Ala437=)

Gene: SKI (SKI proto-oncogene; plus strand). Cytogenetic location: 1p36.32.
Variant type: single nucleotide variant.
Coding change: c.1311C>G on transcript NM_003036.4 (MANE Select); coding-DNA position 1311, C replaced by G.
Protein change: p.Ala437=; no amino-acid change (alanine 437 retained).
Molecular consequence: synonymous variant.
Genome position (GRCh38, 1-based): chr1:2,303,939, C>G. VCF-style: chr1-2303939-C-G. GRCh37 (hg19) VCF-style: chr1-2235378-C-G.
Other names: p.Ala437=.
Identifiers: ClinVar variation 227946 (VCV000227946.40), dbSNP rs140889128, ClinGen allele CA536667.
Genomic context (GRCh38, chr1:2,303,939, plus strand): 5'-CAACGTGGCCCTCGCACCGCCGGCCCAGCAGAAGGTTGTGAGCAGCCCTCCGTGTGCCGC[C>G]GCCGTCTCCCGGGCCCCCGAGCCTCTCGCCACTTGCACCCAGCCTCGGAAGCGGAAGCTG-3'
Protein context (NP_003027.1, residues 427-447): QKVVSSPPCA[Ala437=]AVSRAPEPLA

ClinVar aggregate classification (germline): Benign/Likely benign. Review status: criteria provided, multiple submitters, no conflicts (2 of 4 stars). 9 submissions from 9 submitters: Benign (1); Likely benign (6). 2 of the submissions do not count toward it. Last evaluated 2026-08-01.

Conditions:
Familial thoracic aortic aneurysm and aortic dissection (TAAD). Also called: Thoracic aortic aneurysms and dissections. Identifiers: Orphanet 91387, MedGen C4707243, MONDO:0019625.
Shprintzen-Goldberg syndrome (SGS). Also called: Marfanoid disorder with craniosynostosis type 1; Marfanoid craniosynostosis syndrome; Shprintzen-Goldberg marfanoid syndrome; SHPRINTZEN-GOLDBERG CRANIOSYNOSTOSIS SYNDROME; CRANIOSYNOSTOSIS WITH ARACHNODACTYLY AND ABDOMINAL HERNIAS. Identifiers: Orphanet 2462, MedGen C1321551, MONDO:0008426, OMIM 182212.

Allele frequency attached by ClinVar (database versions not stated): TOPMed 0.00066.
gnomAD v4.1: 231 of 1,611,702 alleles (0.014%); highest among the groups gnomAD compares: Admixed American, 0.092%; no homozygotes.

Submissions (9):

CeGaT Center for Human Genetics Tuebingen
Classification: Likely benign. Last evaluated: 2026-08-01. Review status: criteria provided, single submitter. Criteria: CeGaT Center For Human Genetics Tuebingen Variant Classification Criteria Version 2. Collection method: clinical testing. Allele origin: germline. Affected: yes. Observed: 5 variant alleles.
Comment: SKI: BP4, BP7

Labcorp Genetics (formerly Invitae), Labcorp
Classification: Benign for Shprintzen-Goldberg syndrome. Last evaluated: 2026-01-15. Review status: criteria provided, single submitter. Criteria: Invitae Variant Classification Sherloc (09022015). Collection method: clinical testing. Allele origin: germline.

Mayo Clinic Laboratories, Mayo Clinic
Classification: Likely benign. Last evaluated: 2025-05-29. Review status: criteria provided, single submitter. Criteria: ACMG Guidelines, 2015. Collection method: clinical testing. Allele origin: germline. Observed: 2 variant alleles.
Comment: BS1, BP4, BP7

Blueprint Genetics
Classification: Likely benign. Last evaluated: 2024-06-19. Review status: criteria provided, single submitter. Criteria: ACMG Guidelines, 2015. Collection method: clinical testing. Allele origin: germline.

GeneDx
Classification: Likely benign. Last evaluated: 2021-05-26. Review status: criteria provided, single submitter. Criteria: GeneDx Variant Classification Process June 2021. Collection method: clinical testing. Allele origin: germline. Affected: yes.

Ambry Genetics
Classification: Likely benign for Familial thoracic aortic aneurysm and aortic dissection. Last evaluated: 2019-12-18. Review status: criteria provided, single submitter. Criteria: Ambry Variant Classification Scheme 2023. Collection method: clinical testing. Allele origin: germline.

Laboratory for Molecular Medicine, Mass General Brigham Personalized Medicine
Classification: Likely benign. Last evaluated: 2015-08-11. Review status: criteria provided, single submitter. Criteria: LMM Criteria. Collection method: clinical testing. Allele origin: germline. Observed: 1 variant allele.
Comment: p.Ala437Ala in exon 4 of SKI: This variant is not expected to have clinical sign ificance because it does not alter an amino acid residue and is not located with in the splice consensus sequence. It has been identified in 0.1% (13/10892) of L atino chromosomes and 0.02% (10/58550) of European chromosomes by the Exome Aggr egation Consortium (ExAC; dbSNP rs140889128).

Genome Diagnostics Laboratory, Amsterdam University Medical Center
Classification: Likely benign. Review status: no assertion criteria provided. Collection method: clinical testing. Allele origin: germline. Affected: yes. Study: VKGL Data-share Consensus. Not counted in ClinVar's aggregate classification.

Joint Genome Diagnostic Labs from Nijmegen and Maastricht, Radboudumc and MUMC+
Classification: Likely benign. Review status: no assertion criteria provided. Collection method: clinical testing. Allele origin: germline. Affected: yes. Study: VKGL Data-share Consensus. Not counted in ClinVar's aggregate classification.

Literature cited by the submitters: PubMed 15979919 (cited by Ambry Genetics); PubMed 21699693 (cited by Ambry Genetics); PubMed 28667723 (cited by Ambry Genetics); PubMed 28757364 (cited by Ambry Genetics); PubMed 7977351 (cited by Ambry Genetics); PubMed 8449506 (cited by Ambry Genetics); PubMed 8981946 (cited by Ambry Genetics).